The following is an entry in ClinVar:

NM_000260.4(MYO7A):c.133-3C>A

Gene: MYO7A (myosin VIIA; plus strand). Cytogenetic location: 11q13.5.
Variant type: single nucleotide variant.
Coding change: c.133-3C>A on transcript NM_000260.4 (MANE Select); 3 bases into the intron before coding-DNA position 133, C replaced by A.
Molecular consequence: intron variant.
Genome position (GRCh38, 1-based): chr11:77,147,795, C>A. VCF-style: chr11-77147795-C-A. GRCh37 (hg19) VCF-style: chr11-76858841-C-A.
Other names: c.100-3C>A (NM_001369365.1); c.133-3C>A (NM_001127180.2).
Identifiers: ClinVar variation 1027563 (VCV001027563.3), dbSNP rs967427826, ClinGen allele CA1984103758.

ClinVar aggregate classification (germline): Uncertain significance (1 of 4 stars; one submission).

Conditions:
Childhood onset hearing loss.

Submission:

National Institute on Deafness and Communication Disorders, National Institutes of Health
Classification: Uncertain significance for Childhood onset hearing loss. Last evaluated: 2021-07-08. Review status: criteria provided, single submitter. Criteria: ClinGen HL ACMG Specifications v1. Collection method: research. Allele origin: germline. Inheritance: Autosomal recessive inheritance. Affected: yes. Observed: 1 heterozygote. Segregation with disease not observed.
Comment: PM2, PM3_moderate , PP3 / Modifications from PMID: 30311386 for classification: The genetic causes of hearing loss have not yet been well characterized in the Yoruba population, and the information regarding variant MAF in this population is still limited, so we did not exclude any variant based on their "high" MAF. PP3 criteria was applied even if the REVEL score was below 0.7, if at least two of the pathogenicity prediction algorithms used predicted that the variant was damaging or likely damaging.

was found associated with NM_000260.4:c.6355C>A and NM_000260.4:c.5522C>T